The following is an entry in ClinVar:

NC_000009.11:g.(?_135804148)_(135804265_?)dup

Gene: TSC1 (TSC complex subunit 1; minus strand). Cytogenetic location: 9q34.13.
Variant type: Duplication.
Identifiers: ClinVar variation 584352 (VCV000584352.1).

ClinVar aggregate classification (germline): Uncertain significance (1 of 4 stars; one submission).

Conditions:
Tuberous sclerosis 1 (TSC1). Identifiers: Orphanet 805, MedGen C1854465, MONDO:0008612, OMIM 191100.

Submission:

Labcorp Genetics (formerly Invitae), Labcorp
Classification: Uncertain significance for Tuberous sclerosis 1. Last evaluated: 2018-02-04. Review status: criteria provided, single submitter. Criteria: Invitae Variant Classification Sherloc (09022015). Collection method: clinical testing. Allele origin: germline.
Comment: This variant is a gross duplication of the genomic region encompassing exon 3 of the TSC1 gene. The 5' end of this event is unknown as it extends beyond the assayed region for this gene and therefore may encompass additional genes. The 3' boundary is likely confined to intron 3 of the TSC1 gene. The exact location of this variant in the genome is unknown. This variant has not been reported in the literature in individuals with TSC1-related disease. In summary, the available evidence is currently insufficient to determine the role of this variant in disease. Therefore, it has been classified as a Variant of Uncertain Significance.